The following is an entry in ClinVar:

NM_000038.6(APC):c.875T>A (p.Leu292Ter)

Gene: APC (APC regulator of Wnt signaling pathway; plus strand). Cytogenetic location: 5q22.2.
Variant type: single nucleotide variant.
Coding change: c.875T>A on transcript NM_000038.6 (MANE Select); coding-DNA position 875, T replaced by A.
Protein change: p.Leu292Ter; replaces leucine 292 with a stop codon.
Molecular consequence: nonsense.
Genome position (GRCh38, 1-based): chr5:112,815,535, T>A. VCF-style: chr5-112815535-T-A. GRCh37 (hg19) VCF-style: chr5-112151232-T-A.
Other names: c.875T>A, p.Leu292Ter (NM_001127510.3, NM_001354895.2, NM_001354896.2 and 1 more transcripts); c.821T>A, p.Leu274Ter (NM_001127511.3); c.905T>A, p.Leu302Ter (NM_001354897.2, NM_001354902.2); c.800T>A, p.Leu267Ter (NM_001354898.2, NM_001354904.2); c.791T>A, p.Leu264Ter (NM_001354899.2); c.698T>A, p.Leu233Ter (NM_001354900.2, NM_001354901.2, NM_001354905.2); c.26T>A, p.Leu9Ter (NM_001354906.2); short protein forms L274*, L292*, L302*, L9*, L233*, L267*, L264*.
Identifiers: ClinVar variation 233488 (VCV000233488.5), dbSNP rs876660439, ClinGen allele CA10578301.

ClinVar aggregate classification (germline): Pathogenic (1 of 4 stars; one submission).

Conditions:
Hereditary cancer-predisposing syndrome. Also called: Neoplastic Syndromes, Hereditary; Tumor predisposition; Hereditary Cancer Syndrome; Hereditary neoplastic syndrome. Identifiers: Orphanet 140162, MedGen C0027672, MeSH D009386, MONDO:0015356.

Submission:

Ambry Genetics
Classification: Pathogenic for Hereditary cancer-predisposing syndrome. Last evaluated: 2015-08-21. Review status: criteria provided, single submitter. Criteria: Ambry Variant Classification Scheme 2023. Collection method: clinical testing. Allele origin: germline.
Comment: The p.L292* pathogenic mutation (also known as c.875T>A), located in coding exon 8 of the APC gene, results from a T to A substitution at nucleotide position 875. This changes the amino acid from a leucine to a stop codon within coding exon 8. This alteration was previously described in individuals with familial adenomatous polyposis (FAP) (Gebert JF et al. Human Mol Genet. 1994 Jul; 3(7):1167-8); Moisio AL, et al. Gut 2002 Jun; 50(6):845-50). In addition to the clinical data presented in the literature, since premature stop codons are typically deleterious in nature, this alteration is interpreted as a disease-causing mutation (ACMG Recommendations for Standards for Interpretation and Reporting of Sequence Variations. Revision 2007. Genet Med. 2008;10:294).